The following is an entry in ClinVar:

ClinVar aggregate classification (germline): Uncertain significance (1 of 4 stars; one submission).

Conditions:
Inborn genetic diseases. Identifiers: MedGen C0950123, MeSH D030342.

Submission:

Ambry Genetics
Classification: Uncertain significance for Inborn genetic diseases. Last evaluated: 2025-05-31. Review status: criteria provided, single submitter. Criteria: Ambry Variant Classification Scheme 2023. Collection method: clinical testing. Allele origin: germline.
Comment: The p.P196S variant (also known as c.586C>T), located in coding exon 5 of the ETV6 gene, results from a C to T substitution at nucleotide position 586. The proline at codon 196 is replaced by serine, an amino acid with similar properties. This amino acid position is conserved. In addition, this alteration is predicted to be tolerated by in silico analysis. Based on the available evidence, the clinical significance of this variant remains unclear.

NM_001987.5(ETV6):c.586C>T (p.Pro196Ser)

Gene: ETV6 (ETS variant transcription factor 6; plus strand). Cytogenetic location: 12p13.2.
Variant type: single nucleotide variant.
Coding change: c.586C>T on transcript NM_001987.5 (MANE Select); coding-DNA position 586, C replaced by T.
Protein change: p.Pro196Ser; replaces proline 196 with serine.
Molecular consequence: missense variant.
Genome position (GRCh38, 1-based): chr12:11,869,546, C>T. VCF-style: chr12-11869546-C-T. GRCh37 (hg19) VCF-style: chr12-12022480-C-T.
Other names: c.583C>T, p.Pro195Ser (NM_001413913.1); c.559C>T, p.Pro187Ser (NM_001413914.1); c.322C>T, p.Pro108Ser (NM_001413915.1); c.586C>T, p.Pro196Ser (NM_001413916.1, NM_001413917.1); short protein forms P187S, P195S, P108S, P196S.
Identifiers: ClinVar variation 4020117 (VCV004020117.1).